The following is an entry in ClinVar:

NM_001252024.2(TRPM1):c.2861G>C (p.Cys954Ser)

Genes: TRPM1-AS1 (TRPM1 antisense RNA 1; plus strand), TRPM1 (transient receptor potential cation channel subfamily M member 1; minus strand). Cytogenetic location: 15q13.3.
Variant type: single nucleotide variant.
Coding change: c.2861G>C on transcript NM_001252024.2 (MANE Select); coding-DNA position 2861, G replaced by C.
Protein change: p.Cys954Ser; replaces cysteine 954 with serine.
Molecular consequence: missense variant.
Genome position (GRCh38, 1-based): chr15:31,032,780, C>G on the plus strand (G>C on the coding strand, the complement: TRPM1 is on the minus strand). VCF-style: chr15-31032780-C-G. GRCh37 (hg19) VCF-style: chr15-31324983-C-G.
Other names: c.2912G>C, p.Cys971Ser (NM_001252020.2); c.2795G>C, p.Cys932Ser (NM_002420.6); short protein forms C932S, C954S, C971S.
Identifiers: ClinVar variation 1045427 (VCV001045427.8), dbSNP rs2033151333, ClinGen allele CA391545873.
Genomic context (GRCh38, chr15:31,032,780, plus strand): 5'-AGATACTTGTTGACACCAAAGATGTCCAGGACACGGATGTACCAGAAGATGATATCCACA[C>G]AGTAGATCACCCGGCCATAGCCCATGTAGGGCTGGTTCTGTAGGCGAAGAATTGCTCCAA-3'
Protein context (NP_001238953.1, residues 944-964): PYMGYGRVIY[Cys954Ser]VDIIFWYIRV

ClinVar aggregate classification (germline): Uncertain significance (1 of 4 stars; one submission).

Submission:

Labcorp Genetics (formerly Invitae), Labcorp
Classification: Uncertain significance. Last evaluated: 2022-12-06. Review status: criteria provided, single submitter. Criteria: Invitae Variant Classification Sherloc (09022015). Collection method: clinical testing. Allele origin: germline.
Comment: This sequence change replaces cysteine, which is neutral and slightly polar, with serine, which is neutral and polar, at codon 932 of the TRPM1 protein (p.Cys932Ser). This variant is not present in population databases (gnomAD no frequency). This variant has not been reported in the literature in individuals affected with TRPM1-related conditions. ClinVar contains an entry for this variant (Variation ID: 1045427). Advanced modeling of protein sequence and biophysical properties (such as structural, functional, and spatial information, amino acid conservation, physicochemical variation, residue mobility, and thermodynamic stability) performed at Invitae indicates that this missense variant is not expected to disrupt TRPM1 protein function. In summary, the available evidence is currently insufficient to determine the role of this variant in disease. Therefore, it has been classified as a Variant of Uncertain Significance.